The following is an entry in ClinVar:

NM_001394062.1(MACF1):c.358C>G (p.Pro120Ala)

Gene: MACF1 (microtubule actin crosslinking factor 1; plus strand). Cytogenetic location: 1p34.3.
Variant type: single nucleotide variant.
Coding change: c.358C>G on transcript NM_001394062.1 (MANE Select); coding-DNA position 358, C replaced by G.
Protein change: p.Pro120Ala; replaces proline 120 with alanine.
Molecular consequence: missense variant.
Genome position (GRCh38, 1-based): chr1:39,254,298, C>G. VCF-style: chr1-39254298-C-G. GRCh37 (hg19) VCF-style: chr1-39719970-C-G.
Other names: c.373C>G, p.Pro125Ala (NM_012090.5); short protein forms P125A, P120A.
Identifiers: ClinVar variation 1031171 (VCV001031171.1), dbSNP rs1645074548, ClinGen allele CA339753786.

ClinVar aggregate classification (germline): Uncertain significance (1 of 4 stars; one submission).

Conditions:
Lissencephaly 9 with complex brainstem malformation. Identifiers: Orphanet 572013, MedGen C5193029, MONDO:0032677, OMIM 618325.

Allele frequency attached by ClinVar (database versions not stated): TOPMed below 0.00001.

Submission:

Baylor Genetics
Classification: Uncertain significance for Lissencephaly 9 with complex brainstem malformation. Last evaluated: 2019-11-25. Review status: criteria provided, single submitter. Criteria: ACMG Guidelines, 2015. Collection method: clinical testing. Allele origin: unknown. Affected: yes.
Comment: This variant was determined to be of uncertain significance according to ACMG Guidelines, 2015 [PMID:25741868].